The following is an entry in ClinVar:

NM_001042492.3(NF1):c.1062+5C>T

Gene: NF1 (neurofibromin 1; plus strand). Cytogenetic location: 17q11.2.
Variant type: single nucleotide variant.
Coding change: c.1062+5C>T on transcript NM_001042492.3 (MANE Select); 5 bases into the intron after coding-DNA position 1062, C replaced by T.
Molecular consequence: intron variant.
Genome position (GRCh38, 1-based): chr17:31,200,600, C>T. VCF-style: chr17-31200600-C-T. GRCh37 (hg19) VCF-style: chr17-29527618-C-T.
Other names: c.1062+5C>T (NM_000267.4, NM_001128147.3).
Identifiers: ClinVar variation 527487 (VCV000527487.7), dbSNP rs1555610916, ClinGen allele CA658798752.

ClinVar aggregate classification (germline): Conflicting classifications of pathogenicity. Review status: criteria provided, conflicting classifications (1 of 4 stars). 2 submissions from 2 submitters: Uncertain significance (1); Likely benign (1). Last evaluated 2025-11-10.

Conditions:
Cardiovascular phenotype. Identifiers: MedGen CN230736.
Hereditary cancer-predisposing syndrome. Also called: Neoplastic Syndromes, Hereditary; Tumor predisposition; Hereditary neoplastic syndrome; Hereditary Cancer Syndrome. Identifiers: Orphanet 140162, MedGen C0027672, MeSH D009386, MONDO:0015356.
Neurofibromatosis, type 1 (NF1). Also called: VON RECKLINGHAUSEN DISEASE; NEUROFIBROMATOSIS, TYPE I, SOMATIC; Peripheral type neurofibromatosis; Neurofibromatosis, type I. Identifiers: Orphanet 636, MedGen C0027831, MONDO:0018975, OMIM 162200. Disease mechanism: loss of function.

Submissions (2):

Labcorp Genetics (formerly Invitae), Labcorp
Classification: Likely benign for Neurofibromatosis, type 1. Last evaluated: 2025-11-10. Review status: criteria provided, single submitter. Criteria: Invitae Variant Classification Sherloc (09022015). Collection method: clinical testing. Allele origin: germline.

Ambry Genetics
Classification: Uncertain significance for Cardiovascular phenotype; Hereditary cancer-predisposing syndrome. Last evaluated: 2022-12-14. Review status: criteria provided, single submitter. Criteria: Ambry Variant Classification Scheme 2023. Collection method: clinical testing. Allele origin: germline.
Comment: The c.1062+5C>T intronic variant results from a C to T substitution 5 nucleotides after coding exon 9 in the NF1 gene. This nucleotide position is poorly conserved in available vertebrate species. In silico splice site analysis predicts that this alteration will not have any significant effect on splicing. Since supporting evidence is limited at this time, the clinical significance of this alteration remains unclear.